The following is an entry in ClinVar:

ClinVar aggregate classification (germline): Pathogenic (1 of 4 stars; one submission).

gnomAD v4.1: 2 of 1,614,024 alleles (0.00012%); highest among the groups gnomAD compares: East Asian, 0.0045%; no homozygotes.

Submission:

Labcorp Genetics (formerly Invitae), Labcorp
Classification: Pathogenic. Last evaluated: 2021-07-13. Review status: criteria provided, single submitter. Criteria: Invitae Variant Classification Sherloc (09022015). Collection method: clinical testing. Allele origin: germline.
Comment: This sequence change falls in intron 74 of the COL7A1 gene. It does not directly change the encoded amino acid sequence of the COL7A1 protein. RNA analysis indicates that this variant induces altered splicing and may result in an absent or disrupted protein product. This variant is not present in population databases (ExAC no frequency). This variant has been observed in individual(s) with autosomal recessive dystrophic epidermolysis bullosa (PMID: 9740253, 18207370, 26472200, 29696689). In at least one individual the data is consistent with the variant being in trans (on the opposite chromosome) from a pathogenic variant. Nucleotide substitutions within the consensus splice site are a relatively common cause of aberrant splicing (PMID: 17576681, 9536098). Studies have shown that this variant results in skipping of exon 74 or the inclusion of intron 74, which introduces a premature termination codon (PMID: 18207370, 26472200). The resulting mRNA is expected to undergo nonsense-mediated decay. For these reasons, this variant has been classified as Pathogenic.

Literature cited by the submitters: PubMed 9740253; PubMed 18207370; PubMed 26472200; PubMed 29696689; PubMed 17576681; PubMed 9536098.

NM_000094.4(COL7A1):c.6216+5G>T

Gene: COL7A1 (collagen type VII alpha 1 chain; minus strand). Cytogenetic location: 3p21.31.
Variant type: single nucleotide variant.
Coding change: c.6216+5G>T on transcript NM_000094.4 (MANE Select); 5 bases into the intron after coding-DNA position 6216, G replaced by T.
Molecular consequence: intron variant.
Genome position (GRCh38, 1-based): chr3:48,575,202, C>A on the plus strand (G>T on the coding strand, the complement: COL7A1 is on the minus strand). VCF-style: chr3-48575202-C-A. GRCh37 (hg19) VCF-style: chr3-48612635-C-A.
Identifiers: ClinVar variation 1460042 (VCV001460042.6), dbSNP rs2044206978, ClinGen allele CA1363082679.